The following is an entry in ClinVar:

NM_001394998.1(TANC2):c.3929-7A>G

Genes: TANC2 (tetratricopeptide repeat, ankyrin repeat and coiled-coil containing 2; plus strand), LOC105371856 (uncharacterized LOC105371856; minus strand). Cytogenetic location: 17q23.3.
Variant type: single nucleotide variant.
Coding change: c.3929-7A>G on transcript NM_001394998.1 (MANE Select); 7 bases into the intron before coding-DNA position 3929, A replaced by G.
Molecular consequence: intron variant.
Genome position (GRCh38, 1-based): chr17:63,413,536, A>G. VCF-style: chr17-63413536-A-G. GRCh37 (hg19) VCF-style: chr17-61490897-A-G.
Other names: c.3707-7A>G (NM_001411076.1); c.3677-7A>G (NM_025185.4).
Identifiers: ClinVar variation 3234783 (VCV003234783.20), dbSNP rs745903890, ClinGen allele CA8698131.

ClinVar aggregate classification (germline): Likely benign (1 of 4 stars; one submission).

Allele frequency attached by ClinVar (database versions not stated): gnomAD exomes 0.00006; ExAC 0.00017.
gnomAD v4.1: 85 of 1,585,284 alleles (0.0054%); highest among the groups gnomAD compares: South Asian, 0.037%; no homozygotes.

Submission:

CeGaT Center for Human Genetics Tuebingen
Classification: Likely benign. Last evaluated: 2024-04-01. Review status: criteria provided, single submitter. Criteria: CeGaT Center For Human Genetics Tuebingen Variant Classification Criteria Version 2. Collection method: clinical testing. Allele origin: germline. Affected: yes. Observed: 1 variant allele.
Comment: TANC2: BP4